The following is an entry in ClinVar:

ClinVar aggregate classification (germline): Uncertain significance (1 of 4 stars; one submission).

Conditions:
Cardiovascular phenotype. Identifiers: MedGen CN230736.

gnomAD v4.1: 1 of 1,613,278 alleles (0.000062%); highest among the groups gnomAD compares: Admixed American, 0.0017%; no homozygotes.

Submission:

Ambry Genetics
Classification: Uncertain significance for Cardiovascular phenotype. Last evaluated: 2025-12-07. Review status: criteria provided, single submitter. Criteria: Ambry Variant Classification Scheme 2023. Collection method: clinical testing. Allele origin: germline.
Comment: The p.S1147N variant (also known as c.3440G>A), located in coding exon 22 of the ABCA1 gene, results from a G to A substitution at nucleotide position 3440. The serine at codon 1147 is replaced by asparagine, an amino acid with highly similar properties. This amino acid position is conserved. In addition, this alteration is predicted to be tolerated by in silico analysis. Based on the available evidence, the clinical significance of this variant remains unclear.

NM_005502.4(ABCA1):c.3440G>A (p.Ser1147Asn)

Gene: ABCA1 (ATP binding cassette subfamily A member 1; minus strand). Cytogenetic location: 9q31.1.
Variant type: single nucleotide variant.
Coding change: c.3440G>A on transcript NM_005502.4 (MANE Select); coding-DNA position 3440, G replaced by A.
Protein change: p.Ser1147Asn; replaces serine 1147 with asparagine.
Molecular consequence: missense variant.
Genome position (GRCh38, 1-based): chr9:104,818,685, C>T on the plus strand (G>A on the coding strand, the complement: ABCA1 is on the minus strand). VCF-style: chr9-104818685-C-T. GRCh37 (hg19) VCF-style: chr9-107580966-C-T.
Other names: short protein forms S1147N.
Identifiers: ClinVar variation 4613292 (VCV004613292.1).